The following is an entry in ClinVar:

NM_006978.3(RNF113A):c.901C>T (p.Gln301Ter)

Gene: RNF113A (ring finger protein 113A; minus strand). Cytogenetic location: Xq24.
Variant type: single nucleotide variant.
Coding change: c.901C>T on transcript NM_006978.3 (MANE Select); coding-DNA position 901, C replaced by T.
Protein change: p.Gln301Ter; replaces glutamine 301 with a stop codon.
Molecular consequence: nonsense.
Genome position (GRCh38, 1-based): chrX:119,870,713, G>A on the plus strand (C>T on the coding strand, the complement: RNF113A is on the minus strand). VCF-style: chrX-119870713-G-A. GRCh37 (hg19) VCF-style: chrX-119004676-G-A.
Other names: short protein forms Q301*.
Identifiers: ClinVar variation 192382 (VCV000192382.3), dbSNP rs794726863, ClinGen allele CA200233.
Genomic context (GRCh38, chrX:119,870,713, plus strand): 5'-GATGCTTCTCTAGTTTAGCAATCAATTCTTTCGCTGGATTGAAGACGCCATTGGTCTGCT[G>A]GTCACAGACATAGCAGCGCGGGGTGGTGCGGAAATGCTGCAGTGCACAGCTCTCGCAGAA-3'

ClinVar aggregate classification (germline): Likely pathogenic. Review status: criteria provided, single submitter (1 of 4 stars). 2 submissions from 2 submitters: Likely pathogenic (1). 1 of the submissions does not count toward it. Last evaluated 2025-02-07.

Conditions:
Trichothiodystrophy 5, nonphotosensitive (TTD5). Identifiers: Orphanet 33364, MedGen C4225420, MONDO:0010495, OMIM 300953.

Submissions (2):

GeneDx
Classification: Likely pathogenic. Last evaluated: 2025-02-07. Review status: criteria provided, single submitter. Criteria: GeneDx Variant Classification Process June 2021. Collection method: clinical testing. Allele origin: germline. Affected: yes.
Comment: Not observed at significant frequency in large population cohorts (gnomAD); Nonsense variant predicted to result in protein truncation as the last 43 amino acids are lost; This variant is associated with the following publications: (PMID: 39118464, 25612912, 31793730, 31880405, 19377476, 29144457)

OMIM
Classification: Pathogenic for TRICHOTHIODYSTROPHY 5, NONPHOTOSENSITIVE. Last evaluated: 2015-04-01. Review status: no assertion criteria provided. Collection method: literature only. Allele origin: germline. Not counted in ClinVar's aggregate classification.

Literature cited by the submitters: PubMed 25612912 (cited by OMIM); PubMed 29144457 (cited by OMIM); PubMed 31793730 (cited by OMIM).